The following is an entry in ClinVar:

ClinVar aggregate classification (germline): Uncertain significance (1 of 4 stars; one submission).

Conditions:
Autosomal dominant childhood-onset proximal spinal muscular atrophy with contractures (SMALED2A). Also called: SPINAL MUSCULAR ATROPHY, LOWER EXTREMITY-PREDOMINANT, 2A, CHILDHOOD ONSET, AUTOSOMAL DOMINANT; Spinal muscular atrophy, lower extremity-predominant, 2A, autosomal dominant. Identifiers: Orphanet 363447, Orphanet 363454, MedGen C4747715, MONDO:0014121, OMIM 615290.

Submission:

Labcorp Genetics (formerly Invitae), Labcorp
Classification: Uncertain significance for Autosomal dominant childhood-onset proximal spinal muscular atrophy with contractures. Last evaluated: 2023-08-01. Review status: criteria provided, single submitter. Criteria: Invitae Variant Classification Sherloc (09022015). Collection method: clinical testing. Allele origin: germline.
Comment: In summary, the available evidence is currently insufficient to determine the role of this variant in disease. Therefore, it has been classified as a Variant of Uncertain Significance. Experimental studies and prediction algorithms are not available or were not evaluated, and the functional significance of this variant is currently unknown. This variant has not been reported in the literature in individuals affected with BICD2-related conditions. This variant is not present in population databases (gnomAD no frequency). This variant, c.1675_1698del, results in the deletion of 8 amino acid(s) of the BICD2 protein (p.Glu559_Arg566del), but otherwise preserves the integrity of the reading frame.

NM_001003800.2(BICD2):c.1675_1698del (p.Glu559_Arg566del)

Gene: BICD2 (BICD cargo adaptor 2; minus strand). Cytogenetic location: 9q22.31.
Variant type: Deletion.
Coding change: c.1675_1698del on transcript NM_001003800.2 (MANE Select); coding-DNA positions 1675 to 1698, 24 bases deleted (GAGGGCCAGGGCGGGGCCGGCCGC).
Protein change: p.Glu559_Arg566del.
Molecular consequence: inframe deletion.
Genome position (GRCh38, 1-based): chr9:92,718,947-92,718,970, GCGGCCGGCCCCGCCCTGGCCCTC deleted on the plus strand (GAGGGCCAGGGCGGGGCCGGCCGC on the coding strand, the reverse complement: BICD2 is on the minus strand); deleting any 24 consecutive bases within chr9:92,718,947-92,718,974 gives the same sequence; the c. name uses the placement nearest the transcript's 3' end. VCF-style (leftmost placement, unchanged base first): chr9-92718946-TGCGGCCGGCCCCGCCCTGGCCCTC-T. GRCh37 (hg19) VCF-style: chr9-95481228-TGCGGCCGGCCCCGCCCTGGCCCTC-T.
Other names: c.1675_1698del, p.Glu559_Arg566del (NM_015250.4).
Identifiers: ClinVar variation 2905712 (VCV002905712.3), dbSNP rs2490444625, ClinGen allele CA2739269405.